The following is an entry in ClinVar:

NM_199242.3(UNC13D):c.118-320G>A

Gene: UNC13D (unc-13 homolog D; minus strand). Cytogenetic location: 17q25.1.
Variant type: single nucleotide variant.
Coding change: c.118-320G>A on transcript NM_199242.3 (MANE Select); 320 bases into the intron before coding-DNA position 118, G replaced by A.
Molecular consequence: intron variant.
Genome position (GRCh38, 1-based): chr17:75,843,839, C>T on the plus strand (G>A on the coding strand, the complement: UNC13D is on the minus strand). VCF-style: chr17-75843839-C-T. GRCh37 (hg19) VCF-style: chr17-73839920-C-T.
Identifiers: ClinVar variation 4986222 (VCV004986222.1).

ClinVar aggregate classification (germline): Likely benign (1 of 4 stars; one submission).

Conditions:
UNC13D-related disorder. Also called: UNC13D-related condition.

Submission:

PreventionGenetics, part of Exact Sciences
Classification: Likely benign for UNC13D-related condition. Last evaluated: 2025-02-26. Review status: criteria provided, single submitter. Criteria: ACMG Guidelines, 2015. Collection method: clinical testing. Allele origin: germline.
Comment: This variant is classified as likely benign based on ACMG/AMP sequence variant interpretation guidelines (Richards et al. 2015 PMID: 25741868, with internal and published modifications).